The following is an entry in ClinVar:

NM_000038.6(APC):c.3650A>T (p.Asn1217Ile)

Gene: APC (APC regulator of Wnt signaling pathway; plus strand). Cytogenetic location: 5q22.2.
Variant type: single nucleotide variant.
Coding change: c.3650A>T on transcript NM_000038.6 (MANE Select); coding-DNA position 3650, A replaced by T.
Protein change: p.Asn1217Ile; replaces asparagine 1217 with isoleucine.
Molecular consequence: missense variant.
Genome position (GRCh38, 1-based): chr5:112,839,244, A>T. VCF-style: chr5-112839244-A-T. GRCh37 (hg19) VCF-style: chr5-112174941-A-T.
Other names: c.3650A>T, p.Asn1217Ile (NM_001127510.3, NM_001354895.2); c.3596A>T, p.Asn1199Ile (NM_001127511.3); c.3704A>T, p.Asn1235Ile (NM_001354896.2); c.3680A>T, p.Asn1227Ile (NM_001354897.2); c.3575A>T, p.Asn1192Ile (NM_001354898.2); c.3566A>T, p.Asn1189Ile (NM_001354899.2); c.3527A>T, p.Asn1176Ile (NM_001354900.2); c.3473A>T, p.Asn1158Ile (NM_001354901.2); and 5 more; short protein forms N1116I, N1199I, N1126I, N1217I, N934I, N1189I, N1227I, N1057I.
Identifiers: ClinVar variation 824030 (VCV000824030.14), dbSNP rs138933660, ClinGen allele CA16029351.

ClinVar aggregate classification (germline): Uncertain significance. Review status: criteria provided, multiple submitters, no conflicts (2 of 4 stars). 2 submissions from 2 submitters: Uncertain significance (2). Last evaluated 2023-10-13.

Conditions:
Hereditary cancer-predisposing syndrome. Also called: Neoplastic Syndromes, Hereditary; Tumor predisposition; Hereditary neoplastic syndrome; Hereditary Cancer Syndrome. Identifiers: Orphanet 140162, MedGen C0027672, MeSH D009386, MONDO:0015356.
Familial adenomatous polyposis 1 (FAP1). Also called: POLYPOSIS, ADENOMATOUS INTESTINAL; FAMILIAL ADENOMATOUS POLYPOSIS 1, ATTENUATED. Identifiers: MedGen C2713442, MONDO:0021056, OMIM 175100. Disease mechanism: loss of function.

Submissions (2):

Labcorp Genetics (formerly Invitae), Labcorp
Classification: Uncertain significance for Familial adenomatous polyposis 1. Last evaluated: 2023-10-13. Review status: criteria provided, single submitter. Criteria: Invitae Variant Classification Sherloc (09022015). Collection method: clinical testing. Allele origin: germline.
Comment: This sequence change replaces asparagine, which is neutral and polar, with isoleucine, which is neutral and non-polar, at codon 1217 of the APC protein (p.Asn1217Ile). This variant is not present in population databases (gnomAD no frequency). This variant has not been reported in the literature in individuals affected with APC-related conditions. ClinVar contains an entry for this variant (Variation ID: 824030). Advanced modeling of protein sequence and biophysical properties (such as structural, functional, and spatial information, amino acid conservation, physicochemical variation, residue mobility, and thermodynamic stability) performed at Invitae indicates that this missense variant is not expected to disrupt APC protein function. In summary, the available evidence is currently insufficient to determine the role of this variant in disease. Therefore, it has been classified as a Variant of Uncertain Significance.

Ambry Genetics
Classification: Uncertain significance for Hereditary cancer-predisposing syndrome. Last evaluated: 2019-12-16. Review status: criteria provided, single submitter. Criteria: Ambry Variant Classification Scheme 2023. Collection method: clinical testing. Allele origin: germline.
Comment: The p.N1217I variant (also known as c.3650A>T), located in coding exon 15 of the APC gene, results from an A to T substitution at nucleotide position 3650. The asparagine at codon 1217 is replaced by isoleucine, an amino acid with dissimilar properties. This amino acid position is not well conserved in available vertebrate species. In addition, in silico predictors for this gene do not accurately predict pathogenicity. Since supporting evidence is limited at this time, the clinical significance of this alteration remains unclear.